The following is an entry in ClinVar:

ClinVar aggregate classification (germline): Conflicting classifications of pathogenicity. Review status: criteria provided, conflicting classifications (1 of 4 stars). 2 submissions from 2 submitters: Uncertain significance (1); Likely benign (1). Last evaluated 2025-08-01.

Conditions:
Inborn genetic diseases. Identifiers: MedGen C0950123, MeSH D030342.

Allele frequency attached by ClinVar (database versions not stated): gnomAD exomes 0.00001; ExAC 0.00004; gnomAD 0.00010; TOPMed 0.00016; ESP Exome Variant Server 0.00017.
gnomAD v4.1: 29 of 1,597,346 alleles (0.0018%); highest among the groups gnomAD compares: African/African-American, 0.038%; no homozygotes.

Submissions (2):

Ambry Genetics
Classification: Likely benign for Inborn genetic diseases. Last evaluated: 2025-08-01. Review status: criteria provided, single submitter. Criteria: Ambry Variant Classification Scheme 2023. Collection method: clinical testing. Allele origin: germline.

Labcorp Genetics (formerly Invitae), Labcorp
Classification: Uncertain significance. Last evaluated: 2024-06-13. Review status: criteria provided, single submitter. Criteria: Invitae Variant Classification Sherloc (09022015). Collection method: clinical testing. Allele origin: germline.
Comment: This sequence change replaces threonine, which is neutral and polar, with alanine, which is neutral and non-polar, at codon 217 of the SEPT9 protein (p.Thr217Ala). This variant is present in population databases (rs373393647, gnomAD 0.04%). This variant has not been reported in the literature in individuals affected with SEPT9-related conditions. ClinVar contains an entry for this variant (Variation ID: 2445477). Advanced modeling of protein sequence and biophysical properties (such as structural, functional, and spatial information, amino acid conservation, physicochemical variation, residue mobility, and thermodynamic stability) performed at Invitae indicates that this missense variant is not expected to disrupt SEPT9 protein function with a negative predictive value of 80%. In summary, the available evidence is currently insufficient to determine the role of this variant in disease. Therefore, it has been classified as a Variant of Uncertain Significance.

NM_001113491.2(SEPTIN9):c.703A>G (p.Thr235Ala)

Gene: SEPTIN9 (septin 9; plus strand). Cytogenetic location: 17q25.3.
Variant type: single nucleotide variant.
Coding change: c.703A>G on transcript NM_001113491.2 (MANE Select); coding-DNA position 703, A replaced by G.
Protein change: p.Thr235Ala; replaces threonine 235 with alanine.
Molecular consequence: missense variant.
Genome position (GRCh38, 1-based): chr17:77,402,685, A>G. VCF-style: chr17-77402685-A-G. GRCh37 (hg19) VCF-style: chr17-75398767-A-G.
Other names: c.211A>G, p.Thr71Ala (NM_001113492.2, NM_001113494.1); c.682A>G, p.Thr228Ala (NM_001113493.2); c.646A>G, p.Thr216Ala (NM_001293695.2); c.649A>G, p.Thr217Ala (NM_006640.5); c.649A>G (NM_006640.4); short protein forms T216A, T217A, T228A, T235A, T71A.
Identifiers: ClinVar variation 2445477 (VCV002445477.5), dbSNP rs373393647, ClinGen allele CA8793264.
Genomic context (GRCh38, chr17:77,402,685, plus strand): 5'-CCTGTGTCTCAGCTGCAGAGCAGGCTGGAGCCCAAGCCCCAGCCCCCTGTGGCTGAGGCT[A>G]CACCCCGGAGCCAGGAGGGTGAGTCGCAGAGCGCTAGGTCTTGGATGCTGTGGTAATGGG-3'
Protein context (NP_001106963.1, residues 225-245): PKPQPPVAEA[Thr235Ala]PRSQEATEAA